The following is an entry in ClinVar:

NM_002949.4(MRPL12):c.75-66T>C

Gene: MRPL12 (mitochondrial ribosomal protein L12; plus strand). Cytogenetic location: 17q25.3.
Variant type: single nucleotide variant.
Coding change: c.75-66T>C on transcript NM_002949.4 (MANE Select); 66 bases into the intron before coding-DNA position 75, T replaced by C.
Molecular consequence: intron variant.
Genome position (GRCh38, 1-based): chr17:81,704,178, T>C. VCF-style: chr17-81704178-T-C. GRCh37 (hg19) VCF-style: chr17-79671208-T-C.
Identifiers: ClinVar variation 676743 (VCV000676743.2), dbSNP rs35815547, ClinGen allele CA295106473.
Genomic context (GRCh38, chr17:81,704,178, plus strand): 5'-GCCCTAGTGATTACCAGCCTGAGCTTATGGCACCCACCAGTCCCCCAGTTGTCCTGCCCC[T>C]CTGGTTTCTGCAGCCCCTTCCATTCCAGGACTGACAAGTCTGTTTTAATTGGGGGTGGGG-3'

ClinVar aggregate classification (germline): Benign. Review status: criteria provided, multiple submitters, no conflicts (2 of 4 stars). 2 submissions from 2 submitters: Benign (2). Last evaluated 2018-06-16.

Allele frequency attached by ClinVar (database versions not stated): gnomAD 0.06459 and 0.06693; gnomAD exomes 0.06548; TOPMed 0.06890; 1000 Genomes Project 30x 0.09666; 1000 Genomes Project 0.10204.

Submissions (2):

GeneDx
Classification: Benign. Last evaluated: 2018-06-16. Review status: criteria provided, single submitter. Criteria: GeneDx Variant Classification (06012015). Collection method: clinical testing. Allele origin: germline. Affected: yes.
Comment: This variant is considered likely benign or benign based on one or more of the following criteria: it is a conservative change, it occurs at a poorly conserved position in the protein, it is predicted to be benign by multiple in silico algorithms, and/or has population frequency not consistent with disease.

Breakthrough Genomics
Classification: Benign. Review status: criteria provided, single submitter. Criteria: ACMG Guidelines, 2015. Collection method: not provided. Allele origin: germline. Inheritance: Autosomal recessive inheritance. Affected: yes.